The following is an entry in ClinVar:

NM_000169.3(GLA):c.194+39_194+40del

Genes: GLA (galactosidase alpha; minus strand), RPL36A-HNRNPH2 (RPL36A-HNRNPH2 readthrough; plus strand). Cytogenetic location: Xq22.1.
Variant type: Deletion.
Coding change: c.194+39_194+40del on transcript NM_000169.3 (MANE Select); bases 39 to 40 of the intron after coding-DNA position 194, 2 bases deleted (AT; older notation c.194+39_194+40delAT).
Molecular consequence: intron variant.
Genome position (GRCh38, 1-based): chrX:101,407,670-101,407,671, AT deleted on the plus strand (AT on the coding strand, the reverse complement: GLA is on the minus strand). VCF-style (leftmost placement, unchanged base first): chrX-101407669-CAT-C. GRCh37 (hg19) VCF-style: chrX-100662657-CAT-C.
Other names: c.301-4266_301-4265del (NM_001199973.2); c.178-4266_178-4265del (NM_001199974.2); c.194+39_194+40del (NM_001406747.1, NM_001406748.1, NM_001406749.1).
Identifiers: ClinVar variation 4087093 (VCV004087093.2).

ClinVar aggregate classification (germline): Likely benign (1 of 4 stars; one submission).

Conditions:
Fabry disease. Also called: ALPHA-GALACTOSIDASE A DEFICIENCY; ANDERSON-FABRY DISEASE; CERAMIDE TRIHEXOSIDASE DEFICIENCY; GLA DEFICIENCY; HEREDITARY DYSTOPIC LIPIDOSIS; Angiokeratoma corporis diffusum. Identifiers: Orphanet 324, MedGen C0002986, MONDO:0010526, OMIM 301500, HP:0001071. Disease mechanism: Fabry disease is due to inactivating mutations in the X-linked GLA gene resulting in deficiency of the enzyme Alpha Galactosidase-A., loss of function.

Submission:

Genomenon, Inc
Classification: Likely benign for Fabry disease. Last evaluated: 2026-09-08. Review status: criteria provided, single submitter. Criteria: Genomenon Sequence Variant Interpretation Standards - Updated. Collection method: curation. Allele origin: germline. Affected: no.
Comment: GLA c.194+39_194+40del is a deletion variant located in intron 1. This variant has been reported in the published literature (PMID:30996283). It is absent or not present at a significant frequency in gnomAD. This variant is not predicted to impact splicing. In conclusion, we classify GLA c.194+39_194+40del as a likely benign variant.

Literature cited by the submitters: PubMed 30996283.